The following is an entry in ClinVar:

NM_003334.4(UBA1):c.1639A>G (p.Ser547Gly)

Gene: UBA1 (ubiquitin like modifier activating enzyme 1; plus strand). Cytogenetic location: Xp11.3.
Variant type: single nucleotide variant.
Coding change: c.1639A>G on transcript NM_003334.4 (MANE Select); coding-DNA position 1639, A replaced by G.
Protein change: p.Ser547Gly; replaces serine 547 with glycine.
Molecular consequence: missense variant.
Genome position (GRCh38, 1-based): chrX:47,206,011, A>G. VCF-style: chrX-47206011-A-G. GRCh37 (hg19) VCF-style: chrX-47065410-A-G.
Other names: c.1639A>G, p.Ser547Gly (NM_153280.3); short protein forms S547G.
Identifiers: ClinVar variation 9781 (VCV000009781.5), dbSNP rs80356546, ClinGen allele CA340953.

ClinVar aggregate classification (germline): Uncertain significance. Review status: criteria provided, single submitter (1 of 4 stars). 3 submissions from 3 submitters: Uncertain significance (1). 2 of the submissions do not count toward it. Last evaluated 2018-01-07.

Conditions:
Infantile-onset X-linked spinal muscular atrophy. Also called: Spinal muscular atrophy, X-linked 2; AMC, DISTAL, X-LINKED; ARTHROGRYPOSIS, X-LINKED, TYPE I; SPINAL MUSCULAR ATROPHY, X-LINKED LETHAL INFANTILE; Spinal Muscular Atrophy, X-Linked Infantile. Identifiers: Orphanet 1145, MedGen C1844934, MONDO:0010532, OMIM 301830.

Submissions (3):

Kariminejad - Najmabadi Pathology & Genetics Center
Classification: Uncertain significance for Infantile-onset X-linked spinal muscular atrophy. Last evaluated: 2018-01-07. Review status: criteria provided, single submitter. Criteria: ACMG Guidelines, 2015. Collection method: clinical testing. Allele origin: germline. Inheritance: X-linked inheritance. Affected: yes.
Comment: PM1,PM2,PP5

OMIM
Classification: Pathogenic for SPINAL MUSCULAR ATROPHY, X-LINKED 2. Last evaluated: 2008-01-01. Review status: no assertion criteria provided. Collection method: literature only. Allele origin: germline. Not counted in ClinVar's aggregate classification.

GeneReviews
No classification provided. Condition: Infantile-onset X-linked spinal muscular atrophy. Review status: no classification provided. Collection method: literature only. Allele origin: unknown. Not counted in ClinVar's aggregate classification.

Literature cited by the submitters: PubMed 18179898 (cited by OMIM and GeneReviews); PubMed 20301739 (cited by GeneReviews); NCBI Bookshelf NBK2594 (cited by GeneReviews).